The following is an entry in ClinVar:

ClinVar aggregate classification (germline): Uncertain significance (1 of 4 stars; one submission).

gnomAD v4.1: 15 of 1,611,538 alleles (0.00093%); highest among the groups gnomAD compares: South Asian, 0.012%; no homozygotes.

Submission:

Labcorp Genetics (formerly Invitae), Labcorp
Classification: Uncertain significance. Last evaluated: 2025-05-06. Review status: criteria provided, single submitter. Criteria: Invitae Variant Classification Sherloc (09022015). Collection method: clinical testing. Allele origin: germline.
Comment: This sequence change replaces glycine, which is neutral and non-polar, with alanine, which is neutral and non-polar, at codon 326 of the CBX2 protein (p.Gly326Ala). This variant is present in population databases (rs782696333, gnomAD 0.007%). This variant has not been reported in the literature in individuals affected with CBX2-related conditions. Invitae Evidence Modeling of protein sequence and biophysical properties (such as structural, functional, and spatial information, amino acid conservation, physicochemical variation, residue mobility, and thermodynamic stability) indicates that this missense variant is not expected to disrupt CBX2 protein function with a negative predictive value of 80%. In summary, the available evidence is currently insufficient to determine the role of this variant in disease. Therefore, it has been classified as a Variant of Uncertain Significance.

NM_005189.3(CBX2):c.977G>C (p.Gly326Ala)

Gene: CBX2 (chromobox 2; plus strand). Cytogenetic location: 17q25.3.
Variant type: single nucleotide variant.
Coding change: c.977G>C on transcript NM_005189.3 (MANE Select); coding-DNA position 977, G replaced by C.
Protein change: p.Gly326Ala; replaces glycine 326 with alanine.
Molecular consequence: missense variant.
Genome position (GRCh38, 1-based): chr17:79,784,420, G>C. VCF-style: chr17-79784420-G-C. GRCh37 (hg19) VCF-style: chr17-77758219-G-C.
Other names: short protein forms G326A.
Identifiers: ClinVar variation 4701281 (VCV004701281.1).